The following is an entry in ClinVar:

ClinVar aggregate classification (germline): Uncertain significance. Review status: criteria provided, multiple submitters, no conflicts (2 of 4 stars). 3 submissions from 3 submitters: Uncertain significance (3). Last evaluated 2024-01-16.

Conditions:
Dilated cardiomyopathy 1KK (CMD1KK). Identifiers: Orphanet 154, Orphanet 75249, MedGen C3714995, MONDO:0014100, OMIM 615248.
MYPN-related myopathy (CMYO24). Also called: Nemaline myopathy 11, autosomal recessive. Identifiers: MedGen C4479186, MONDO:0015023, OMIM 617336.
Primary dilated cardiomyopathy (DCM). Also called: Dilated Cardiomyopathy. Identifiers: Orphanet 217604, MedGen C0007193, MeSH D002311, MONDO:0005021, HP:0001644. Inheritance: Various modes of inheritance.
Cardiovascular phenotype. Identifiers: MedGen CN230736.

gnomAD v4.1: 8 of 1,614,054 alleles (0.0005%); highest among the groups gnomAD compares: Non-Finnish European, 0.00068%; no homozygotes.

Submissions (3):

Ambry Genetics
Classification: Uncertain significance for Cardiovascular phenotype. Last evaluated: 2024-01-16. Review status: criteria provided, single submitter. Criteria: Ambry Variant Classification Scheme 2023. Collection method: clinical testing. Allele origin: germline.
Comment: The p.P1112H variant (also known as c.3335C>A), located in coding exon 16 of the MYPN gene, results from a C to A substitution at nucleotide position 3335. The proline at codon 1112 is replaced by histidine, an amino acid with similar properties. This alteration has been reported as a secondary cardiac variant in an exome cohort and was detected in a cardiomyopathy/arrhythmia genetic testing cohort; however, clinical details are limited (Ng D et al. Circ Cardiovasc Genet, 2013 Aug;6:337-46; van Lint FHM et al. Neth Heart J, 2019 Jun;27:304-309). This alteration has also been reported in sudden death and arrhythmogenic right ventricular cardiomyopathy (ARVC) cohorts (Hertz CL et al. Int J Legal Med, 2016 Jan;130:91-102; Medeiros-Domingo A et al. Europace, 2017 Jun;19:1063-1069). The variant was also seen in cases of cardiomyopathy and was seen with variants in other cardiac-related genes (Refaat MM et al. BMC Med Genomics, 2019 Feb;12:33; Mastroianno S et al. Ann Noninvasive Electrocardiol, 2020 May;25:e12687; Paz-Cruz E et al. Cardiol Res, 2023 Oct;14:409-415). This amino acid position is well conserved in available vertebrate species. In addition, the in silico prediction for this alteration is inconclusive. Since supporting evidence is limited at this time, the clinical significance of this alteration remains unclear.

Fulgent Genetics
Classification: Uncertain significance for Dilated cardiomyopathy 1KK; MYPN-related myopathy. Last evaluated: 2022-04-14. Review status: criteria provided, single submitter. Criteria: ACMG Guidelines, 2015. Collection method: clinical testing. Allele origin: unknown.

Biesecker Lab/Clinical Genomics Section, National Institutes of Health
Classification: Uncertain significance for Cardiomyopathy, dilated. Last evaluated: 2013-06-24. Review status: criteria provided, single submitter. Criteria: Ng et al. (Circ Cardiovasc Genet. 2013). Collection method: research. Allele origin: unknown. Observed: 1 variant allele. Study: ClinSeq.
Comment: The study set was not selected for affection status in relation to any cancer. Pathogenicity categories were based on literature curation. See Pubmed ID:23861362 for details.

Medical sequencing

Literature cited by the submitters: PubMed 23861362 (cited by Ambry Genetics); PubMed 26383259 (cited by Ambry Genetics); PubMed 27194543 (cited by Ambry Genetics); PubMed 30764827 (cited by Ambry Genetics); PubMed 30847666 (cited by Ambry Genetics); PubMed 31524317 (cited by Ambry Genetics); PubMed 37936622 (cited by Ambry Genetics).

NM_032578.4(MYPN):c.3335C>A (p.Pro1112His)

Gene: MYPN (myopalladin; plus strand). Cytogenetic location: 10q21.3.
Variant type: single nucleotide variant.
Coding change: c.3335C>A on transcript NM_032578.4 (MANE Select); coding-DNA position 3335, C replaced by A.
Protein change: p.Pro1112His; replaces proline 1112 with histidine.
Molecular consequence: missense variant. On other transcripts: non-coding transcript variant (2).
Genome position (GRCh38, 1-based): chr10:68,199,417, C>A. VCF-style: chr10-68199417-C-A. GRCh37 (hg19) VCF-style: chr10-69959174-C-A.
Other names: c.3335C>A, p.Pro1112His (NM_001256267.2); c.2453C>A, p.Pro818His (NM_001256268.2); short protein forms P1112H, P818H.
Identifiers: ClinVar variation 191757 (VCV000191757.3), dbSNP rs71534278, ClinGen allele CA249984.